The following is an entry in ClinVar:

ClinVar aggregate classification (germline): Uncertain significance (1 of 4 stars; one submission).

Conditions:
Leigh syndrome (NULS). Also called: Leigh's necrotizing encephalopathy; Leigh's disease; Leigh Syndrome (mtDNA deletion); LEIGH SYNDROME, NUCLEAR; Leigh's syndrome; Leigh Disease. Identifiers: Orphanet 506, MedGen C2931891, MONDO:0009723, OMIM 256000.

Submission:

Labcorp Genetics (formerly Invitae), Labcorp
Classification: Uncertain significance for Leigh syndrome. Last evaluated: 2024-10-23. Review status: criteria provided, single submitter. Criteria: Invitae Variant Classification Sherloc (09022015). Collection method: clinical testing. Allele origin: germline.
Comment: This sequence change replaces arginine, which is basic and polar, with leucine, which is neutral and non-polar, at codon 12 of the SURF1 protein (p.Arg12Leu). This variant is not present in population databases (gnomAD no frequency). This variant has not been reported in the literature in individuals affected with SURF1-related conditions. ClinVar contains an entry for this variant (Variation ID: 2125248). Invitae Evidence Modeling of protein sequence and biophysical properties (such as structural, functional, and spatial information, amino acid conservation, physicochemical variation, residue mobility, and thermodynamic stability) has been performed for this missense variant. However, the output from this modeling did not meet the statistical confidence thresholds required to predict the impact of this variant on SURF1 protein function. In summary, the available evidence is currently insufficient to determine the role of this variant in disease. Therefore, it has been classified as a Variant of Uncertain Significance.

NM_003172.4(SURF1):c.35G>T (p.Arg12Leu)

Gene: SURF1 (SURF1 cytochrome c oxidase assembly factor; minus strand). Cytogenetic location: 9q34.2.
Variant type: single nucleotide variant.
Coding change: c.35G>T on transcript NM_003172.4 (MANE Select); coding-DNA position 35, G replaced by T.
Protein change: p.Arg12Leu; replaces arginine 12 with leucine.
Molecular consequence: missense variant. On other transcripts: 5 prime UTR variant (1).
Genome position (GRCh38, 1-based): chr9:133,356,419, C>A on the plus strand (G>T on the coding strand, the complement: SURF1 is on the minus strand). VCF-style: chr9-133356419-C-A. GRCh37 (hg19) VCF-style: chr9-136223295-C-A.
Other names: c.-241G>T (NM_001280787.1); short protein forms R12L.
Identifiers: ClinVar variation 2125248 (VCV002125248.4), dbSNP rs782241588, ClinGen allele CA375695156.